The following is an entry in ClinVar:

NM_001267550.2(TTN):c.42266del (p.Pro14089fs)

Gene: TTN (titin; minus strand). Cytogenetic location: 2q31.2.
Variant type: Deletion.
Coding change: c.42266del on transcript NM_001267550.2 (MANE Select); coding-DNA position 42266, one base deleted (C; older notation c.42266delC).
Protein change: p.Pro14089fs; shifts the reading frame from proline 14089.
Molecular consequence: frameshift variant.
Genome position (GRCh38, 1-based): chr2:178,634,515, G deleted on the plus strand (C on the coding strand, the reverse complement: TTN is on the minus strand); the first of 2 consecutive G bases (chr2:178,634,515-178,634,516); deleting either gives the same sequence. VCF-style (leftmost placement, unchanged base first): chr2-178634514-AG-A. GRCh37 (hg19) VCF-style: chr2-179499241-AG-A.
Other names: c.37343del, p.Pro12448fs (NM_001256850.1); c.15071del, p.Pro5024fs (NM_003319.4); c.34562del, p.Pro11521fs (NM_133378.4); c.15446del, p.Pro5149fs (NM_133432.3); c.15647del, p.Pro5216fs (NM_133437.4); short protein forms P12448fs, P5024fs, P14089fs, P5216fs, P11521fs, P5149fs.
Identifiers: ClinVar variation 4784842 (VCV004784842.1).

ClinVar aggregate classification (germline): Likely pathogenic (1 of 4 stars; one submission).

Conditions:
Autosomal recessive limb-girdle muscular dystrophy type 2J (LGMDR10). Also called: Limb-girdle muscular dystrophy, type 2J; MUSCULAR DYSTROPHY, LIMB-GIRDLE, AUTOSOMAL RECESSIVE 10. Identifiers: Orphanet 140922, MedGen C1837342, MONDO:0012127, OMIM 608807.
Dilated cardiomyopathy 1G (CMD1G). Identifiers: Orphanet 154, MedGen C1858763, MONDO:0011400, OMIM 604145.

Submission:

Labcorp Genetics (formerly Invitae), Labcorp
Classification: Likely pathogenic for Dilated cardiomyopathy 1G; Autosomal recessive limb-girdle muscular dystrophy type 2J. Last evaluated: 2025-04-27. Review status: criteria provided, single submitter. Criteria: Invitae Variant Classification Sherloc (09022015). Collection method: clinical testing. Allele origin: germline.
Comment: This sequence change creates a premature translational stop signal (p.Pro14089Leufs*3) in the TTN gene. While this is not anticipated to result in nonsense mediated decay, it is expected to create a truncated TTN protein. This variant is not present in population databases (gnomAD no frequency). This variant has not been reported in the literature in individuals affected with TTN-related conditions. This variant is located in the I band of TTN (PMID: 25589632). Truncating variants in this region have been reported in individuals affected with autosomal recessive centronuclear myopathy (PMID: 23975875, internal data). Truncating variants in this region have also been identified in individuals affected with autosomal dominant dilated cardiomyopathy and/or cardio-related conditions (PMID: 27869827, 32964742, internal data). In summary, the currently available evidence indicates that the variant is pathogenic, but additional data are needed to prove that conclusively. Therefore, this variant has been classified as Likely Pathogenic.

Literature cited by the submitters: PubMed 25589632; PubMed 23975875; PubMed 27869827; PubMed 32964742.